The following is an entry in ClinVar:

NM_001382567.1(STIM1):c.1031C>T (p.Pro344Leu)

Gene: STIM1 (stromal interaction molecule 1; plus strand). Cytogenetic location: 11p15.4.
Variant type: single nucleotide variant.
Coding change: c.1031C>T on transcript NM_001382567.1 (MANE Select); coding-DNA position 1031, C replaced by T.
Protein change: p.Pro344Leu; replaces proline 344 with leucine.
Molecular consequence: missense variant. On other transcripts: non-coding transcript variant (2).
Genome position (GRCh38, 1-based): chr11:4,082,245, C>T. VCF-style: chr11-4082245-C-T. GRCh37 (hg19) VCF-style: chr11-4103475-C-T.
Other names: c.1031C>T, p.Pro344Leu (NM_001277961.3, NM_001277962.2, NM_001382568.1 and 1 more transcripts); c.809C>T, p.Pro270Leu (NM_001382566.1, NM_001382573.1, NM_001382575.1 and 4 more transcripts); c.896C>T, p.Pro299Leu (NM_001382569.1); c.803C>T, p.Pro268Leu (NM_001382570.1); c.551C>T, p.Pro184Leu (NM_001382571.1); c.542C>T, p.Pro181Leu (NM_001382580.1, NM_001382581.1); short protein forms P181L, P184L, P268L, P270L, P299L, P344L.
Identifiers: ClinVar variation 1021299 (VCV001021299.9), dbSNP rs2094469076, ClinGen allele CA379192411.
Genomic context (GRCh38, chr11:4,082,245, plus strand): 5'-TTCGGGAGGCCTTGAGGAAAGCAGAGAAGGAGCTAGAATCTCACAGCTCATGGTATGCTC[C>T]AGAGGCCCTTCAGAAGTGGCTGCAGCTGACACATGAGGTGGAGGTGCAATATTACAACAT-3'
Protein context (NP_001369496.1, residues 334-354): ELESHSSWYA[Pro344Leu]EALQKWLQLT

ClinVar aggregate classification (germline): Uncertain significance (1 of 4 stars; one submission).

Conditions:
Stormorken syndrome (STRMK). Also called: THROMBOCYTOPATHY, ASPLENIA, AND MIOSIS. Identifiers: Orphanet 3204, MedGen C1861451, MONDO:0008497, OMIM 185070.
Myopathy with tubular aggregates (TAM). Also called: Tubular Aggregate Myopathy. Identifiers: Orphanet 2593, MedGen C0410207, MONDO:0008051.
Combined immunodeficiency due to STIM1 deficiency. Also called: IMMUNODEFICIENCY 10; STIM1 DEFICIENCY. Identifiers: Orphanet 169090, Orphanet 317430, MedGen C2748557, MONDO:0013008, OMIM 612783.

Submission:

Labcorp Genetics (formerly Invitae), Labcorp
Classification: Uncertain significance for Myopathy with tubular aggregates; Combined immunodeficiency due to STIM1 deficiency; Stormorken syndrome. Last evaluated: 2020-10-16. Review status: criteria provided, single submitter. Criteria: Invitae Variant Classification Sherloc (09022015). Collection method: clinical testing. Allele origin: germline.
Comment: This variant has not been reported in the literature in individuals with STIM1-related conditions. Algorithms developed to predict the effect of missense changes on protein structure and function (SIFT, PolyPhen-2, Align-GVGD) all suggest that this variant is likely to be disruptive, but these predictions have not been confirmed by published functional studies and their clinical significance is uncertain. In summary, the available evidence is currently insufficient to determine the role of this variant in disease. Therefore, it has been classified as a Variant of Uncertain Significance. This sequence change replaces proline with leucine at codon 344 of the STIM1 protein (p.Pro344Leu). The proline residue is highly conserved and there is a moderate physicochemical difference between proline and leucine. This variant is not present in population databases (ExAC no frequency).